The following is an entry in ClinVar:

NM_007078.3(LDB3):c.2095-282G>A

Gene: LDB3 (LIM domain binding 3; plus strand). Cytogenetic location: 10q23.2.
Variant type: single nucleotide variant.
Coding change: c.2095-282G>A on transcript NM_007078.3 (MANE Select); 282 bases into the intron before coding-DNA position 2095, G replaced by A.
Molecular consequence: intron variant.
Genome position (GRCh38, 1-based): chr10:86,732,605, G>A. VCF-style: chr10-86732605-G-A. GRCh37 (hg19) VCF-style: chr10-88492362-G-A.
Other names: c.1906-282G>A (NM_001368064.1, NM_001368065.1); c.2110-282G>A (NM_001171610.2); c.1954-282G>A (NM_001368066.1); c.1765-282G>A (NM_001080114.2).
Identifiers: ClinVar variation 683958 (VCV000683958.2), dbSNP rs7899324, ClinGen allele CA5585323.

ClinVar aggregate classification (germline): Benign. Review status: criteria provided, multiple submitters, no conflicts (2 of 4 stars). 2 submissions from 2 submitters: Benign (2). Last evaluated 2018-06-18.

Allele frequency attached by ClinVar (database versions not stated): TOPMed 0.20350; gnomAD 0.21085 and 0.21987; 1000 Genomes Project 30x 0.25656; 1000 Genomes Project 0.26637; gnomAD exomes 0.27142 and 0.27374; ExAC 0.28299.
gnomAD v4.1: 121,283 of 477,130 alleles (25%); highest among the groups gnomAD compares: East Asian, 59%; 17,593 homozygotes.

Submissions (2):

GeneDx
Classification: Benign. Last evaluated: 2018-06-18. Review status: criteria provided, single submitter. Criteria: GeneDx Variant Classification (06012015). Collection method: clinical testing. Allele origin: germline. Affected: yes.
Comment: This variant is considered likely benign or benign based on one or more of the following criteria: it is a conservative change, it occurs at a poorly conserved position in the protein, it is predicted to be benign by multiple in silico algorithms, and/or has population frequency not consistent with disease.

Breakthrough Genomics
Classification: Benign. Review status: criteria provided, single submitter. Criteria: ACMG Guidelines, 2015. Collection method: not provided. Allele origin: germline. Inheritance: Autosomal dominant inheritance. Affected: yes.